The following is an entry in ClinVar:

ClinVar aggregate classification (germline): Uncertain significance (1 of 4 stars; one submission).

Submission:

Women's Health and Genetics/Laboratory Corporation of America, LabCorp
Classification: Uncertain significance. Last evaluated: 2025-07-21. Review status: criteria provided, single submitter. Criteria: LabCorp Variant Classification Summary - May 2015. Collection method: clinical testing. Allele origin: germline.
Comment: Variant summary: GMNN c.535G>A (p.Glu179Lys) results in a conservative amino acid change in the encoded protein sequence. Algorithms developed to predict the effect of missense changes on protein structure and function are either unavailable or do not agree on the potential impact of this missense change. The variant was absent in 237690 control chromosomes (gnomAD). The available data on variant occurrences in the general population are insufficient to allow any conclusion about variant significance. To our knowledge, no occurrence of c.535G>A in individuals affected with Meier-Gorlin Syndrome 6 and no experimental evidence demonstrating its impact on protein function have been reported. No submitters have cited clinical-significance assessments for this variant to ClinVar. Based on the evidence outlined above, the variant was classified as uncertain significance.

NM_015895.5(GMNN):c.535G>A (p.Glu179Lys)

Gene: GMNN (geminin DNA replication inhibitor; plus strand). Cytogenetic location: 6p22.3.
Variant type: single nucleotide variant.
Coding change: c.535G>A on transcript NM_015895.5 (MANE Select); coding-DNA position 535, G replaced by A.
Protein change: p.Glu179Lys; replaces glutamic acid 179 with lysine.
Molecular consequence: missense variant.
Genome position (GRCh38, 1-based): chr6:24,785,704, G>A. VCF-style: chr6-24785704-G-A. GRCh37 (hg19) VCF-style: chr6-24785932-G-A.
Other names: c.535G>A, p.Glu179Lys (NM_001251989.2, NM_001251990.2, NM_001251991.1); short protein forms E179K.
Identifiers: ClinVar variation 4525757 (VCV004525757.1).